The following is an entry in ClinVar:

ClinVar aggregate classification (germline): Conflicting classifications of pathogenicity. Review status: criteria provided, conflicting classifications (1 of 4 stars). 2 submissions from 2 submitters: Uncertain significance (1); Likely benign (1). Last evaluated 2025-12-16.

Allele frequency attached by ClinVar (database versions not stated): ExAC 0.00007; gnomAD 0.00003; TOPMed 0.00005.
gnomAD v4.1: 19 of 1,389,036 alleles (0.0014%); highest among the groups gnomAD compares: Middle Eastern, 0.018%; no homozygotes.

Submissions (2):

Labcorp Genetics (formerly Invitae), Labcorp
Classification: Likely benign. Last evaluated: 2025-12-16. Review status: criteria provided, single submitter. Criteria: Invitae Variant Classification Sherloc (09022015). Collection method: clinical testing. Allele origin: germline.

Women's Health and Genetics/Laboratory Corporation of America, LabCorp
Classification: Uncertain significance. Last evaluated: 2023-08-04. Review status: criteria provided, single submitter. Criteria: LabCorp Variant Classification Summary - May 2015. Collection method: clinical testing. Allele origin: germline.
Comment: Variant summary: COL18A1 c.1221+12C>T alters a nucleotide located close to a canonical splice site and therefore could affect mRNA splicing, leading to a significantly altered protein sequence. 4/4 computational tools predict no significant impact on normal splicing. However, these predictions have yet to be confirmed by functional studies. The variant allele was found at a frequency of 2.7e-05 in 147814 control chromosomes. The available data on variant occurrences in the general population are insufficient to allow any conclusion about variant significance. To our knowledge, no occurrence of c.1221+12C>T in individuals affected with Knobloch Syndrome 1 and no experimental evidence demonstrating its impact on protein function have been reported. One submitter has cited clinical-significance assessments for this variant to ClinVar after 2014 and has classified the variant as likely benign. Based on the evidence outlined above, the variant was classified as uncertain significance.

NM_001379500.1(COL18A1):c.1221+12C>T

Gene: COL18A1 (collagen type XVIII alpha 1 chain; plus strand). Cytogenetic location: 21q22.3.
Variant type: single nucleotide variant.
Coding change: c.1221+12C>T on transcript NM_001379500.1 (MANE Select); 12 bases into the intron after coding-DNA position 1221, C replaced by T.
Molecular consequence: intron variant.
Genome position (GRCh38, 1-based): chr21:45,477,977, C>T. VCF-style: chr21-45477977-C-T. GRCh37 (hg19) VCF-style: chr21-46897891-C-T.
Other names: c.2466+12C>T (NM_130444.3); c.1761+12C>T (NM_030582.4).
Identifiers: ClinVar variation 1649461 (VCV001649461.9), dbSNP rs765348415, ClinGen allele CA10066108.